The following is an entry in ClinVar:

NM_000492.4(CFTR):c.944T>G (p.Phe315Cys)

Gene: CFTR (CF transmembrane conductance regulator; plus strand). Cytogenetic location: 7q31.2.
Variant type: single nucleotide variant.
Coding change: c.944T>G on transcript NM_000492.4 (MANE Select); coding-DNA position 944, T replaced by G.
Protein change: p.Phe315Cys; replaces phenylalanine 315 with cysteine.
Molecular consequence: missense variant.
Genome position (GRCh38, 1-based): chr7:117,540,174, T>G. VCF-style: chr7-117540174-T-G. GRCh37 (hg19) VCF-style: chr7-117180228-T-G.
Other names: short protein forms F315C.
Identifiers: ClinVar variation 2202338 (VCV002202338.2), dbSNP rs760319837, ClinGen allele CA368978393.

ClinVar aggregate classification (germline): Uncertain significance. Review status: criteria provided, multiple submitters, no conflicts (2 of 4 stars). 2 submissions from 2 submitters: Uncertain significance (2). Last evaluated 2026-06-24.

Conditions:
Cystic fibrosis (CF). Also called: MUCOVISCIDOSIS. Identifiers: Orphanet 586, MedGen C0010674, MONDO:0009061, OMIM 219700. Disease mechanism: loss of function.

Submissions (2):

Ambry Genetics
Classification: Uncertain significance for Cystic fibrosis. Last evaluated: 2026-06-24. Review status: criteria provided, single submitter. Criteria: Ambry Variant Classification Scheme 2023. Collection method: clinical testing. Allele origin: germline.

Labcorp Genetics (formerly Invitae), Labcorp
Classification: Uncertain significance for Cystic fibrosis. Last evaluated: 2022-06-17. Review status: criteria provided, single submitter. Criteria: Invitae Variant Classification Sherloc (09022015). Collection method: clinical testing. Allele origin: germline.
Comment: This sequence change replaces phenylalanine, which is neutral and non-polar, with cysteine, which is neutral and slightly polar, at codon 315 of the CFTR protein (p.Phe315Cys). This variant is not present in population databases (gnomAD no frequency). This variant has not been reported in the literature in individuals affected with CFTR-related conditions. Algorithms developed to predict the effect of missense changes on protein structure and function (SIFT, PolyPhen-2, Align-GVGD) all suggest that this variant is likely to be disruptive. In summary, the available evidence is currently insufficient to determine the role of this variant in disease. Therefore, it has been classified as a Variant of Uncertain Significance.